The following is an entry in ClinVar:

ClinVar aggregate classification (germline): Uncertain significance. Review status: criteria provided, multiple submitters, no conflicts (2 of 4 stars). 2 submissions from 2 submitters: Uncertain significance (2). Last evaluated 2026-07-01.

Conditions:
Glycogen storage disease, type II (IOPD). Also called: GLYCOGENOSIS, GENERALIZED, CARDIAC FORM; GSD II; POMPE DISEASE, INFANTILE-ONSET; GLYCOGEN STORAGE DISEASE II, INFANTILE-ONSET; ACID ALPHA-GLUCOSIDASE DEFICIENCY, INFANTILE-ONSET; GAA DEFICIENCY, INFANTILE-ONSET. Identifiers: Orphanet 365, MedGen C0017921, MONDO:0009290, OMIM 232300.

Submissions (2):

Genomenon, Inc
Classification: Uncertain significance for Glycogen storage disease, type II. Last evaluated: 2026-07-01. Review status: criteria provided, single submitter. Criteria: Genomenon Sequence Variant Interpretation Standards - Updated. Collection method: curation. Allele origin: germline. Affected: yes.
Comment: GAA p.Leu246Arg (c.737T>G) is a missense variant that changes the amino acid at codon 246 from Leucine to Arginine. This variant has been observed in at least one proband with a GAA-related disorder in the compound heterozygous and/or homozygous state (PMID:23566438). It is absent or not present at a significant frequency in gnomAD. In silico models predict that this variant is possibly or probably damaging. In conclusion, we classify GAA p.Leu246Arg (c.737T>G) as a variant of uncertain significance.

Labcorp Genetics (formerly Invitae), Labcorp
Classification: Uncertain significance for Glycogen storage disease, type II. Last evaluated: 2022-06-27. Review status: criteria provided, single submitter. Criteria: Invitae Variant Classification Sherloc (09022015). Collection method: clinical testing. Allele origin: germline.
Comment: Advanced modeling of protein sequence and biophysical properties (such as structural, functional, and spatial information, amino acid conservation, physicochemical variation, residue mobility, and thermodynamic stability) performed at Invitae indicates that this missense variant is expected to disrupt GAA protein function. In summary, the available evidence is currently insufficient to determine the role of this variant in disease. Therefore, it has been classified as a Variant of Uncertain Significance. ClinVar contains an entry for this variant (Variation ID: 456435). This missense change has been observed in individual(s) with unexplained asymptomatic hyperCKemia (PMID: 23566438). This variant is not present in population databases (gnomAD no frequency). This sequence change replaces leucine, which is neutral and non-polar, with arginine, which is basic and polar, at codon 246 of the GAA protein (p.Leu246Arg).

Literature cited by the submitters: PubMed 23566438 (cited by Genomenon, Inc and Labcorp Genetics (formerly Invitae), Labcorp).

NM_000152.5(GAA):c.737T>G (p.Leu246Arg)

Gene: GAA (alpha glucosidase; plus strand). Cytogenetic location: 17q25.3.
Variant type: single nucleotide variant.
Coding change: c.737T>G on transcript NM_000152.5 (MANE Select); coding-DNA position 737, T replaced by G.
Protein change: p.Leu246Arg; replaces leucine 246 with arginine.
Molecular consequence: missense variant.
Genome position (GRCh38, 1-based): chr17:80,107,601, T>G. VCF-style: chr17-80107601-T-G. GRCh37 (hg19) VCF-style: chr17-78081400-T-G.
Other names: c.737T>G, p.Leu246Arg (NM_001079803.3, NM_001079804.3); c.737T>G (LRG_673t1); short protein forms L246R.
Identifiers: ClinVar variation 456435 (VCV000456435.10), dbSNP rs1555599608, ClinGen allele CA401363235.
Genomic context (GRCh38, chr17:80,107,601, plus strand): 5'-GGCCTCTGTCCCGCAGGCTGAACACGACGGTGGCGCCCCTGTTCTTTGCGGACCAGTTCC[T>G]TCAGCTGTCCACCTCGCTGCCCTCGCAGTATATCACAGGCCTCGCCGAGCACCTCAGTCC-3'
Protein context (NP_000143.2, residues 236-256): VAPLFFADQF[Leu246Arg]QLSTSLPSQY